The following is an entry in ClinVar:

ClinVar aggregate classification (germline): Pathogenic/Likely pathogenic. Review status: criteria provided, multiple submitters, no conflicts (2 of 4 stars). 2 submissions from 2 submitters: Pathogenic (1); Likely pathogenic (1). Last evaluated 2025-05-15.

Conditions:
Peroxisome biogenesis disorder 9B. Also called: PEX7-Related Refsum Disease; Refsum disease, adult, 2; PEROXISOME BIOGENESIS DISORDER, PEX7-RELATED, ATYPICAL. Identifiers: Orphanet 773, MedGen C2749346, MONDO:0013945, OMIM 614879.
Peroxisome biogenesis disorder. Identifiers: Orphanet 79189, MedGen C1832200, MONDO:0019234. Disease mechanism: loss of function.

Submissions (2):

Myriad Genetics, Inc.
Classification: Pathogenic for Peroxisome biogenesis disorder. Last evaluated: 2025-05-15. Review status: criteria provided, single submitter. Criteria: Myriad Autosomal Dominant, Autosomal Recessive and X-Linked Classification Criteria (2023). Collection method: clinical testing. Allele origin: unknown.
Comment: NM_000288.3(PEX7):c.513delT(F171Lfs*10) is expected to be pathogenic in the context of PEX7-related disorders. This variant is predicted to lead to an abnormal or absent protein product due to the creation of a premature termination codon in PEX7, a gene where loss-of-function variants are known to be pathogenic. Please note: this variant was assessed in the context of healthy population screening.

Baylor Genetics
Classification: Likely pathogenic for Peroxisome biogenesis disorder 9B. Last evaluated: 2024-01-30. Review status: criteria provided, single submitter. Criteria: ACMG Guidelines, 2015. Collection method: clinical testing. Allele origin: unknown.

NM_000288.4(PEX7):c.513del (p.Phe171fs)

Gene: PEX7 (peroxisomal biogenesis factor 7; plus strand). Cytogenetic location: 6q23.3.
Variant type: Deletion.
Coding change: c.513del on transcript NM_000288.4 (MANE Select); coding-DNA position 513, one base deleted (T; older notation c.513delT).
Protein change: p.Phe171fs; shifts the reading frame from phenylalanine 171.
Molecular consequence: frameshift variant.
Genome position (GRCh38, 1-based): chr6:136,846,168, T deleted; the last of 4 consecutive T bases (chr6:136,846,165-136,846,168); deleting any one gives the same sequence. VCF-style (leftmost placement, unchanged base first): chr6-136846164-GT-G. GRCh37 (hg19) VCF-style: chr6-137167302-GT-G.
Other names: c.399del, p.Phe133fs (NM_001410945.1); short protein forms F133fs, F171fs.
Identifiers: ClinVar variation 2677732 (VCV002677732.3), dbSNP rs2548082750, ClinGen allele CA2695198356.